The following is an entry in ClinVar:

ClinVar aggregate classification (germline): Uncertain significance. Review status: criteria provided, multiple submitters, no conflicts (2 of 4 stars). 2 submissions from 2 submitters: Uncertain significance (2). Last evaluated 2025-08-15.

Conditions:
ALPK3-related disorder. Also called: ALPK3-related condition.

Allele frequency attached by ClinVar (database versions not stated): gnomAD exomes below 0.00001.
gnomAD v4.1: 1 of 1,477,994 alleles (0.000068%); highest among the groups gnomAD compares: African/African-American, 0.0015%; no homozygotes.

Submissions (2):

PreventionGenetics, part of Exact Sciences
Classification: Uncertain significance for ALPK3-related condition. Last evaluated: 2025-08-15. Review status: criteria provided, single submitter. Criteria: ACMG Guidelines, 2015. Collection method: clinical testing. Allele origin: germline.
Comment: The ALPK3 c.667G>T variant is predicted to result in the amino acid substitution p.Gly223Cys. To our knowledge, this variant has not been reported in the literature or in a large population database (gnomAD), indicating this variant is rare. At this time, the clinical significance of this variant is uncertain due to the absence of conclusive functional and genetic evidence.

Labcorp Genetics (formerly Invitae), Labcorp
Classification: Uncertain significance. Last evaluated: 2021-08-01. Review status: criteria provided, single submitter. Criteria: Invitae Variant Classification Sherloc (09022015). Collection method: clinical testing. Allele origin: germline.
Comment: Algorithms developed to predict the effect of missense changes on protein structure and function are either unavailable or do not agree on the potential impact of this missense change (SIFT: "Deleterious"; PolyPhen-2: "Possibly Damaging"; Align-GVGD: "Class C0"). In summary, the available evidence is currently insufficient to determine the role of this variant in disease. Therefore, it has been classified as a Variant of Uncertain Significance. Algorithms developed to predict the effect of sequence changes on RNA splicing suggest that this variant may create or strengthen a splice site. This variant has not been reported in the literature in individuals affected with ALPK3-related conditions. The frequency data for this variant in the population databases is considered unreliable, as metrics indicate insufficient coverage at this position in the ExAC database. This sequence change replaces glycine with cysteine at codon 223 of the ALPK3 protein (p.Gly223Cys). The glycine residue is moderately conserved and there is a large physicochemical difference between glycine and cysteine.

NM_020778.5(ALPK3):c.61G>T (p.Gly21Cys)

Gene: ALPK3 (alpha kinase 3; plus strand). Cytogenetic location: 15q25.3.
Variant type: single nucleotide variant.
Coding change: c.61G>T on transcript NM_020778.5 (MANE Select); coding-DNA position 61, G replaced by T.
Protein change: p.Gly21Cys; replaces glycine 21 with cysteine.
Molecular consequence: missense variant.
Genome position (GRCh38, 1-based): chr15:84,817,513, G>T. VCF-style: chr15-84817513-G-T. GRCh37 (hg19) VCF-style: chr15-85360744-G-T.
Other names: c.667G>T (NM_020778.4); short protein forms G21C.
Identifiers: ClinVar variation 1371521 (VCV001371521.7), dbSNP rs1186307775, ClinGen allele CA393369380.